The following is an entry in ClinVar:

NM_000890.5(KCNJ5):c.68A>G (p.Lys23Arg)

Gene: KCNJ5 (potassium inwardly rectifying channel subfamily J member 5; plus strand). Cytogenetic location: 11q24.3.
Variant type: single nucleotide variant.
Coding change: c.68A>G on transcript NM_000890.5 (MANE Select); coding-DNA position 68, A replaced by G.
Protein change: p.Lys23Arg; replaces lysine 23 with arginine.
Molecular consequence: missense variant.
Genome position (GRCh38, 1-based): chr11:128,911,341, A>G. VCF-style: chr11-128911341-A-G. GRCh37 (hg19) VCF-style: chr11-128781236-A-G.
Other names: c.68A>G, p.Lys23Arg (NM_001354169.2); short protein forms K23R.
Identifiers: ClinVar variation 1756046 (VCV001756046.2), dbSNP rs1944494211, ClinGen allele CA383245569.
Genomic context (GRCh38, chr11:128,911,341, plus strand): 5'-GCGATTCTAGGAATGCCATGAACCAGGACATGGAGATTGGAGTCACTCCCTGGGACCCCA[A>G]GAAGATTCCAAAACAGGCCCGCGATTATGTCCCCATTGCCACAGACCGTACGCGCCTGCT-3'
Protein context (NP_000881.3, residues 13-33): MEIGVTPWDP[Lys23Arg]KIPKQARDYV

ClinVar aggregate classification (germline): Uncertain significance (1 of 4 stars; one submission).

Conditions:
Cardiovascular phenotype. Identifiers: MedGen CN230736.

Allele frequency attached by ClinVar (database versions not stated): gnomAD exomes below 0.00001; TOPMed below 0.00001.
gnomAD v4.1: 1 of 1,614,212 alleles (0.000062%); highest among the groups gnomAD compares: Non-Finnish European, 0.000085%; no homozygotes.

Submission:

Ambry Genetics
Classification: Uncertain significance for Cardiovascular phenotype. Last evaluated: 2022-09-14. Review status: criteria provided, single submitter. Criteria: Ambry Variant Classification Scheme 2023. Collection method: clinical testing. Allele origin: germline.
Comment: The p.K23R variant (also known as c.68A>G), located in coding exon 1 of the KCNJ5 gene, results from an A to G substitution at nucleotide position 68. The lysine at codon 23 is replaced by arginine, an amino acid with highly similar properties. This amino acid position is well conserved in available vertebrate species. In addition, this alteration is predicted to be tolerated by in silico analysis. Since supporting evidence is limited at this time, the clinical significance of this alteration remains unclear.